The following is an entry in ClinVar:

NM_000179.3(MSH6):c.2481del (p.Asn827fs)

Gene: MSH6 (mutS homolog 6; plus strand). Cytogenetic location: 2p16.3.
Variant type: Deletion.
Coding change: c.2481del on transcript NM_000179.3 (MANE Select); coding-DNA position 2481, one base deleted (T; older notation c.2481delT).
Protein change: p.Asn827fs; shifts the reading frame from asparagine 827.
Molecular consequence: frameshift variant.
Genome position (GRCh38, 1-based): chr2:47,800,464, T deleted. VCF-style (leftmost placement, unchanged base first): chr2-47800463-AT-A. GRCh37 (hg19) VCF-style: chr2-48027602-AT-A.
Other names: c.2091del, p.Asn697fs (NM_001281492.2); c.1575del, p.Asn525fs (NM_001281493.2, NM_001281494.2); c.2577delT, p.Asn859Lysfs (NM_001406795.1, NM_001406802.1); c.2481delT, p.Asn827Lysfs (NM_001406796.1, NM_001406798.1, NM_001406800.1 and 2 more transcripts); c.2184delT, p.Asn728Lysfs (NM_001406797.1, NM_001406801.1, NM_001406805.1 and 10 more transcripts); c.1956delT, p.Asn652Lysfs (NM_001406799.1, NM_001406806.1, NM_001406807.1); c.2403delT, p.Asn801Lysfs (NM_001406804.1); c.1575delT, p.Asn525Lysfs (NM_001406811.1, NM_001406812.1, NM_001406814.1 and 4 more transcripts); and 2 more; short protein forms N525fs, N827fs, N697fs.
Identifiers: ClinVar variation 1791928 (VCV001791928.2), dbSNP rs2530675109, ClinGen allele CA2580067924.

ClinVar aggregate classification (germline): Pathogenic (1 of 4 stars; one submission).

Conditions:
Hereditary cancer-predisposing syndrome. Also called: Hereditary Cancer Syndrome; Hereditary neoplastic syndrome; Tumor predisposition; Neoplastic Syndromes, Hereditary. Identifiers: Orphanet 140162, MedGen C0027672, MeSH D009386, MONDO:0015356.

Submission:

Ambry Genetics
Classification: Pathogenic for Hereditary cancer-predisposing syndrome. Last evaluated: 2020-10-15. Review status: criteria provided, single submitter. Criteria: Ambry Variant Classification Scheme 2023. Collection method: clinical testing. Allele origin: germline.
Comment: The c.2481delT pathogenic mutation, located in coding exon 4 of the MSH6 gene, results from a deletion of one nucleotide at nucleotide position 2481, causing a translational frameshift with a predicted alternate stop codon (p.N827Kfs*6). This alteration is expected to result in loss of function by premature protein truncation or nonsense-mediated mRNA decay. As such, this alteration is interpreted as a disease-causing mutation.